The following is an entry in ClinVar:

NM_001018005.2(TPM1):c.560A>G (p.Glu187Gly)

Gene: TPM1 (tropomyosin 1; plus strand). Cytogenetic location: 15q22.2.
Variant type: single nucleotide variant.
Coding change: c.560A>G on transcript NM_001018005.2 (MANE Select); coding-DNA position 560, A replaced by G.
Protein change: p.Glu187Gly; replaces glutamic acid 187 with glycine.
Molecular consequence: missense variant.
Genome position (GRCh38, 1-based): chr15:63,060,936, A>G. VCF-style: chr15-63060936-A-G. GRCh37 (hg19) VCF-style: chr15-63353135-A-G.
Other names: c.560A>G, p.Glu187Gly (NM_000366.6, NM_001018004.2, NM_001018006.2 and 20 more transcripts); c.452A>G, p.Glu151Gly (NM_001018008.2, NM_001301289.2, NM_001330344.2 and 9 more transcripts); c.686A>G, p.Glu229Gly (NM_001365778.1, NM_001407322.1, NM_001407323.1 and 1 more transcripts); short protein forms E151G, E187G, E229G.
Identifiers: ClinVar variation 2016149 (VCV002016149.5), dbSNP rs786204411, ClinGen allele CA392723328.

ClinVar aggregate classification (germline): Conflicting classifications of pathogenicity. Review status: criteria provided, conflicting classifications (1 of 4 stars). 2 submissions from 2 submitters: Likely pathogenic (1); Uncertain significance (1). Last evaluated 2023-01-10.

Conditions:
TPM1-related disorder. Also called: TPM1-related condition.
Hypertrophic cardiomyopathy. Also called: HYPERTROPHIC MYOCARDIOPATHY. Identifiers: Orphanet 217569, MedGen C0007194, MeSH D002312, MONDO:0005045, HP:0001639.

Submissions (2):

Blueprint Genetics
Classification: Likely pathogenic for TPM1-related disorders. Last evaluated: 2023-01-10. Review status: criteria provided, single submitter. Criteria: ACMG Guidelines, 2015. Collection method: clinical testing. Allele origin: germline. Affected: yes. Observed: 1 variant allele.

Labcorp Genetics (formerly Invitae), Labcorp
Classification: Uncertain significance for Hypertrophic cardiomyopathy. Last evaluated: 2021-11-29. Review status: criteria provided, single submitter. Criteria: Invitae Variant Classification Sherloc (09022015). Collection method: clinical testing. Allele origin: germline.
Comment: In summary, the available evidence is currently insufficient to determine the role of this variant in disease. Therefore, it has been classified as a Variant of Uncertain Significance. Algorithms developed to predict the effect of missense changes on protein structure and function are either unavailable or do not agree on the potential impact of this missense change (SIFT: "Tolerated"; PolyPhen-2: "Probably Damaging"; Align-GVGD: "Class C0"). This variant has not been reported in the literature in individuals affected with TPM1-related conditions. This variant is not present in population databases (gnomAD no frequency). This sequence change replaces glutamic acid, which is acidic and polar, with glycine, which is neutral and non-polar, at codon 187 of the TPM1 protein (p.Glu187Gly).